The following is an entry in ClinVar:

ClinVar aggregate classification (germline): Uncertain significance (1 of 4 stars; one submission).

Conditions:
Tuberous sclerosis 2 (TSC2). Identifiers: Orphanet 805, MedGen C1860707, MONDO:0013199, OMIM 613254.

Submission:

MVZ Medizinische Genetik Mainz
Classification: Uncertain significance for Tuberous sclerosis 2. Last evaluated: 2025-10-23. Review status: criteria provided, single submitter. Criteria: UK Practice Guidelines For Variant Classification V4 01 2020. Collection method: clinical testing. Allele origin: germline. Inheritance: Autosomal dominant inheritance. Affected: yes. Observed: 1 variant allele.
Comment: ACMG Criteria: PP3_MOD,PM2_SUP

NM_000548.5(TSC2):c.1745A>C (p.His582Pro)

Gene: TSC2 (TSC complex subunit 2; plus strand). Cytogenetic location: 16p13.3.
Variant type: single nucleotide variant.
Coding change: c.1745A>C on transcript NM_000548.5 (MANE Select); coding-DNA position 1745, A replaced by C.
Protein change: p.His582Pro; replaces histidine 582 with proline.
Molecular consequence: missense variant. On other transcripts: non-coding transcript variant (5).
Genome position (GRCh38, 1-based): chr16:2,070,484, A>C. VCF-style: chr16-2070484-A-C. GRCh37 (hg19) VCF-style: chr16-2120485-A-C.
Other names: c.1688A>C, p.His563Pro (NM_001406677.1); c.1634A>C, p.His545Pro (NM_001406678.1, NM_001318827.2, NM_001406670.1); c.1598A>C, p.His533Pro (NM_001406679.1, NM_001318829.2, NM_001406675.1 and 1 more transcripts); c.1145A>C, p.His382Pro (NM_001406680.1, NM_001406682.1, NM_001406683.1 and 6 more transcripts); c.1283A>C, p.His428Pro (NM_001406681.1); c.1745A>C, p.His582Pro (NM_001077183.3, NM_001114382.3, NM_001363528.2 and 6 more transcripts); c.1778A>C, p.His593Pro (NM_001318832.2); c.1835A>C, p.His612Pro (NM_001406667.1, NM_001406668.1); and 3 more; short protein forms H134P, H382P, H428P, H48P, H533P, H545P, H563P, H578P.
Identifiers: ClinVar variation 4532221 (VCV004532221.1).
Genomic context (GRCh38, chr16:2,070,484, plus strand): 5'-GCGCCGTGGTGAGCTGCGTCCTCTCTCTGCAGACCAAGCTGTACACCCTGCCTGCAAGCC[A>C]CGCCACGCGTGTGTATGAGATGCTGGTCAGCCACATTCAGCTCCACTACAAGCACAGCTA-3'
Protein context (NP_000539.2, residues 572-592): QTKLYTLPAS[His582Pro]ATRVYEMLVS